The following is an entry in ClinVar:

NM_001943.5(DSG2):c.2619A>G (p.Gln873=)

Genes: DSG2 (desmoglein 2; plus strand), DSG2-AS1 (DSG2 antisense RNA 1; minus strand). Cytogenetic location: 18q12.1.
Variant type: single nucleotide variant.
Coding change: c.2619A>G on transcript NM_001943.5 (MANE Select); coding-DNA position 2619, A replaced by G.
Protein change: p.Gln873=; no amino-acid change (glutamine 873 retained).
Molecular consequence: synonymous variant.
Genome position (GRCh38, 1-based): chr18:31,546,005, A>G. VCF-style: chr18-31546005-A-G. GRCh37 (hg19) VCF-style: chr18-29125968-A-G.
Identifiers: ClinVar variation 921216 (VCV000921216.11), dbSNP rs757120095, ClinGen allele CA046652.

ClinVar aggregate classification (germline): Likely benign. Review status: criteria provided, multiple submitters, no conflicts (2 of 4 stars). 3 submissions from 3 submitters: Likely benign (3). Last evaluated 2025-06-06.

Conditions:
Arrhythmogenic right ventricular cardiomyopathy (ARVD). Also called: Arrhythmogenic cardiomyopathy; Cardiomyopathy, ARVC; Arrhythmogenic right ventricular dysplasia; Arrhythmogenic Right Ventricular Cardiomyopathy (ARVC). Identifiers: Orphanet 247, MedGen C0349788, MeSH D019571, MONDO:0016587. Disease mechanism: loss of function. Inheritance: Various modes of inheritance.
Cardiomyopathy (CMYO). Also called: Cardiomyopathies. Identifiers: Orphanet 167848, MedGen C0878544, MONDO:0004994, HP:0001638. Inheritance: Various modes of inheritance.
Arrhythmogenic right ventricular dysplasia 10. Also called: Arrhythmogenic Right Ventricular Dysplasia/Cardiomyopathy10; ARRHYTHMOGENIC RIGHT VENTRICULAR DYSPLASIA, FAMILIAL, 10; Arrhythmogenic right ventricular dysplasia/cardiomyopathy, type 10. Identifiers: MedGen C1857777, MONDO:0012434, OMIM 610193.

Allele frequency attached by ClinVar (database versions not stated): gnomAD exomes below 0.00001; ExAC 0.00001; gnomAD 0.00001; TOPMed 0.00003.
gnomAD v4.1: 4 of 1,614,070 alleles (0.00025%); highest among the groups gnomAD compares: Non-Finnish European, 0.00034%; no homozygotes.

Submissions (3):

Labcorp Genetics (formerly Invitae), Labcorp
Classification: Likely benign for Arrhythmogenic right ventricular dysplasia 10. Last evaluated: 2025-06-06. Review status: criteria provided, single submitter. Criteria: Invitae Variant Classification Sherloc (09022015). Collection method: clinical testing. Allele origin: germline.

All of Us Research Program, National Institutes of Health
Classification: Likely benign for Arrhythmogenic right ventricular cardiomyopathy. Last evaluated: 2024-01-08. Review status: criteria provided, single submitter. Criteria: ACMG Guidelines, 2015. Collection method: clinical testing. Allele origin: germline. Inheritance: Autosomal dominant inheritance. Observed: 4 variant alleles, 4 heterozygotes.
Comment: This study involves interpretation of variants in research participants for the purpose of population health screening. Participant phenotype was not available at the time of variant classification. Additional details can be found in publication PMID: 35346344, PMCID: PMC8962531

Color Diagnostics, LLC DBA Color Health
Classification: Likely benign for Cardiomyopathy. Last evaluated: 2019-11-06. Review status: criteria provided, single submitter. Criteria: ACMG Guidelines, 2015. Collection method: clinical testing. Allele origin: germline.